The following is an entry in ClinVar:

ClinVar aggregate classification (germline): Pathogenic/Likely pathogenic. Review status: criteria provided, multiple submitters, no conflicts (2 of 4 stars). 6 submissions from 6 submitters: Pathogenic (3); Likely pathogenic (1). 2 of the submissions do not count toward it. Last evaluated 2024-03-13.

Conditions:
Lysinuric protein intolerance (LPI). Identifiers: Orphanet 470, MedGen C0268647, MONDO:0009109, OMIM 222700.

gnomAD v4.1: 10 of 1,614,124 alleles (0.00062%); highest among the groups gnomAD compares: East Asian, 0.0045%; no homozygotes.

Submissions (6):

Fulgent Genetics
Classification: Pathogenic for Lysinuric protein intolerance. Last evaluated: 2024-03-13. Review status: criteria provided, single submitter. Criteria: ACMG Guidelines, 2015. Collection method: clinical testing. Allele origin: germline.

Baylor Genetics
Classification: Pathogenic for Lysinuric protein intolerance. Last evaluated: 2024-02-17. Review status: criteria provided, single submitter. Criteria: ACMG Guidelines, 2015. Collection method: clinical testing. Allele origin: unknown.

Labcorp Genetics (formerly Invitae), Labcorp
Classification: Pathogenic for Lysinuric protein intolerance. Last evaluated: 2023-08-11. Review status: criteria provided, single submitter. Criteria: Invitae Variant Classification Sherloc (09022015). Collection method: clinical testing. Allele origin: germline.
Comment: For these reasons, this variant has been classified as Pathogenic. ClinVar contains an entry for this variant (Variation ID: 6212). This premature translational stop signal has been observed in individual(s) with lysinuric protein intolerance (PMID: 10980538, 26865117). It has also been observed to segregate with disease in related individuals. This variant is present in population databases (rs121908678, gnomAD 0.0009%). This sequence change creates a premature translational stop signal (p.Arg410*) in the SLC7A7 gene. It is expected to result in an absent or disrupted protein product. Loss-of-function variants in SLC7A7 are known to be pathogenic (PMID: 10631139, 17764084).

Neuberg Centre For Genomic Medicine, NCGM
Classification: Likely pathogenic for Lysinuric protein intolerance. Review status: criteria provided, single submitter. Criteria: ACMG Guidelines, 2015. Collection method: clinical testing. Allele origin: germline. Inheritance: Autosomal recessive inheritance. Affected: yes.
Comment: The stop-gained variant c.1228C>T (p.Arg410Ter) in the SLC7A7 gene has been reported in many individuals in homozygous and compound heterozygous states affected with Lysinuric protein intolerance. It is reported as a founder effect mutation in northern Japan (Noguchi et al., 2016; Noguchi et al., 2000). The variant has 0.0003% allele frequency in gnomAD Exomes. This variant has been reported to the ClinVar database as Pathogenic. This variant is predicted to cause loss of normal protein function through protein truncation. Loss of function variants have been previously reported to be disease-causing. For these reasons, this variant has been classified as Likely Pathogenic.

OMIM
Classification: Pathogenic for LYSINURIC PROTEIN INTOLERANCE. Last evaluated: 2008-01-01. Review status: no assertion criteria provided. Collection method: literature only. Allele origin: germline. Not counted in ClinVar's aggregate classification.

GeneReviews
No classification provided. Condition: Lysinuric protein intolerance. Review status: no classification provided. Collection method: literature only. Allele origin: germline. Not counted in ClinVar's aggregate classification.

Literature cited by the submitters: PubMed 10980538 (cited by Labcorp Genetics (formerly Invitae), Labcorp); PubMed 26865117 (cited by Labcorp Genetics (formerly Invitae), Labcorp and GeneReviews); PubMed 10631139 (cited by Labcorp Genetics (formerly Invitae), Labcorp); PubMed 17764084 (cited by Labcorp Genetics (formerly Invitae), Labcorp and OMIM); PubMed 10737982 (cited by OMIM); PubMed 18716612 (cited by GeneReviews); PubMed 20301535 (cited by GeneReviews).

NM_003982.4(SLC7A7):c.1228C>T (p.Arg410Ter)

Gene: SLC7A7 (solute carrier family 7 member 7; minus strand). Cytogenetic location: 14q11.2.
Variant type: single nucleotide variant.
Coding change: c.1228C>T on transcript NM_003982.4 (MANE Select); coding-DNA position 1228, C replaced by T.
Protein change: p.Arg410Ter; replaces arginine 410 with a stop codon.
Molecular consequence: nonsense.
Genome position (GRCh38, 1-based): chr14:22,774,371, G>A on the plus strand (C>T on the coding strand, the complement: SLC7A7 is on the minus strand). VCF-style: chr14-22774371-G-A. GRCh37 (hg19) VCF-style: chr14-23243580-G-A.
Other names: c.1228C>T, p.Arg410Ter (NM_001126105.3, NM_001126106.4); short protein forms R410*.
Identifiers: ClinVar variation 6212 (VCV000006212.13), dbSNP rs121908678, ClinGen allele CA253812.